The following is an entry in ClinVar:

ClinVar aggregate classification (germline): Uncertain significance. Review status: criteria provided, multiple submitters, no conflicts (2 of 4 stars). 5 submissions from 5 submitters: Uncertain significance (5). Last evaluated 2025-10-02.

Conditions:
ABCG5-related disorder. Also called: ABCG5-related condition.
Sitosterolemia 2. Identifiers: MedGen C5231453, MONDO:0020748, OMIM 618666.
Sitosterolemia (STSL). Also called: PHYTOSTEROLEMIA. Identifiers: Orphanet 2882, MedGen C0342907, MONDO:0008863.
Cardiovascular phenotype. Identifiers: MedGen CN230736.

Allele frequency attached by ClinVar (database versions not stated): ESP Exome Variant Server 0.00023; ExAC 0.00002; gnomAD exomes 0.00002 and 0.00005; gnomAD 0.00007; TOPMed 0.00007.
gnomAD v4.1: 89 of 1,607,556 alleles (0.0055%); highest among the groups gnomAD compares: Non-Finnish European, 0.0072%; 1 homozygote.

Submissions (5):

Mayo Clinic Laboratories, Mayo Clinic
Classification: Uncertain significance. Last evaluated: 2025-10-02. Review status: criteria provided, single submitter. Criteria: ACMG Guidelines, 2015. Collection method: clinical testing. Allele origin: germline. Observed: 1 variant allele.

PreventionGenetics, part of Exact Sciences
Classification: Uncertain significance for ABCG5-related condition. Last evaluated: 2025-08-27. Review status: criteria provided, single submitter. Criteria: ACMG Guidelines, 2015. Collection method: clinical testing. Allele origin: germline.
Comment: The ABCG5 c.116G>A variant is predicted to result in the amino acid substitution p.Gly39Asp. To our knowledge, this variant has not been reported in the literature. This variant is reported in 0.0050% of alleles in individuals of European (Non-Finnish) descent in gnomAD. At this time, the clinical significance of this variant is uncertain due to the absence of conclusive functional and genetic evidence.

Ambry Genetics
Classification: Uncertain significance for Cardiovascular phenotype. Last evaluated: 2025-08-26. Review status: criteria provided, single submitter. Criteria: Ambry Variant Classification Scheme 2023. Collection method: clinical testing. Allele origin: germline.

Revvity Omics, Revvity
Classification: Uncertain significance for Sitosterolemia 2. Last evaluated: 2024-02-05. Review status: criteria provided, single submitter. Criteria: ACMG Guidelines, 2015. Collection method: clinical testing. Allele origin: germline.

Labcorp Genetics (formerly Invitae), Labcorp
Classification: Uncertain significance for Sitosterolemia. Last evaluated: 2022-03-30. Review status: criteria provided, single submitter. Criteria: Invitae Variant Classification Sherloc (09022015). Collection method: clinical testing. Allele origin: germline.
Comment: This sequence change replaces glycine, which is neutral and non-polar, with aspartic acid, which is acidic and polar, at codon 39 of the ABCG5 protein (p.Gly39Asp). This variant is present in population databases (rs371929020, gnomAD 0.005%). This variant has not been reported in the literature in individuals affected with ABCG5-related conditions. ClinVar contains an entry for this variant (Variation ID: 1010351). Algorithms developed to predict the effect of missense changes on protein structure and function are either unavailable or do not agree on the potential impact of this missense change (SIFT: "Deleterious"; PolyPhen-2: "Benign"; Align-GVGD: "Class C0"). In summary, the available evidence is currently insufficient to determine the role of this variant in disease. Therefore, it has been classified as a Variant of Uncertain Significance.

NM_022436.3(ABCG5):c.116G>A (p.Gly39Asp)

Gene: ABCG5 (ATP binding cassette subfamily G member 5; minus strand). Cytogenetic location: 2p21.
Variant type: single nucleotide variant.
Coding change: c.116G>A on transcript NM_022436.3 (MANE Select); coding-DNA position 116, G replaced by A.
Protein change: p.Gly39Asp; replaces glycine 39 with aspartic acid.
Molecular consequence: missense variant.
Genome position (GRCh38, 1-based): chr2:43,838,564, C>T on the plus strand (G>A on the coding strand, the complement: ABCG5 is on the minus strand). VCF-style: chr2-43838564-C-T. GRCh37 (hg19) VCF-style: chr2-44065703-C-T.
Other names: p.Gly39Asp; short protein forms G39D.
Identifiers: ClinVar variation 1010351 (VCV001010351.12), dbSNP rs371929020, ClinGen allele CA1636799.